The following is an entry in ClinVar:

NM_173630.4(RTTN):c.2738T>C (p.Met913Thr)

Gene: RTTN (rotatin; minus strand). Cytogenetic location: 18q22.2.
Variant type: single nucleotide variant.
Coding change: c.2738T>C on transcript NM_173630.4 (MANE Select); coding-DNA position 2738, T replaced by C.
Protein change: p.Met913Thr; replaces methionine 913 with threonine.
Molecular consequence: missense variant. On other transcripts: initiator codon variant (1).
Genome position (GRCh38, 1-based): chr18:70,139,649, A>G on the plus strand (T>C on the coding strand, the complement: RTTN is on the minus strand). VCF-style: chr18-70139649-A-G. GRCh37 (hg19) VCF-style: chr18-67806885-A-G.
Other names: c.2T>C, p.Met1Thr (NM_001318520.2); short protein forms M913T, M1T.
Identifiers: ClinVar variation 423444 (VCV000423444.11), dbSNP rs1064796431, ClinGen allele CA16620718.

ClinVar aggregate classification (germline): Uncertain significance. Review status: criteria provided, multiple submitters, no conflicts (2 of 4 stars). 2 submissions from 2 submitters: Uncertain significance (2). Last evaluated 2021-03-18.

Allele frequency attached by ClinVar (database versions not stated): gnomAD 0.00001.
gnomAD v4.1: 1 of 1,613,516 alleles (0.000062%); highest among the groups gnomAD compares: Non-Finnish European, 0.000085%; no homozygotes.

Submissions (2):

Labcorp Genetics (formerly Invitae), Labcorp
Classification: Uncertain significance. Last evaluated: 2021-03-18. Review status: criteria provided, single submitter. Criteria: Invitae Variant Classification Sherloc (09022015). Collection method: clinical testing. Allele origin: germline.
Comment: This variant has not been reported in the literature in individuals with RTTN-related conditions. ClinVar contains an entry for this variant (Variation ID: 423444). In summary, the available evidence is currently insufficient to determine the role of this variant in disease. Therefore, it has been classified as a Variant of Uncertain Significance. Algorithms developed to predict the effect of missense changes on protein structure and function output the following: SIFT: "Tolerated"; PolyPhen-2: "Benign"; Align-GVGD: "Class C0". The threonine amino acid residue is found in multiple mammalian species, suggesting that this missense change does not adversely affect protein function. These predictions have not been confirmed by published functional studies and their clinical significance is uncertain. This variant is not present in population databases (ExAC no frequency). This sequence change replaces methionine with threonine at codon 913 of the RTTN protein (p.Met913Thr). The methionine residue is weakly conserved and there is a moderate physicochemical difference between methionine and threonine.

GeneDx
Classification: Uncertain significance. Last evaluated: 2020-01-09. Review status: criteria provided, single submitter. Criteria: GeneDx Variant Classification Process June 2021. Collection method: clinical testing. Allele origin: germline. Affected: yes.
Comment: Not observed in large population cohorts (Lek et al., 2016); In silico analysis, which includes protein predictors and evolutionary conservation, supports that this variant does not alter protein structure/function; Has not been previously published as pathogenic or benign to our knowledge